The following is an entry in ClinVar:

NM_001368894.2(PAX6):c.194G>A (p.Gly65Glu)

Gene: PAX6 (paired box 6; minus strand). Cytogenetic location: 11p13.
Variant type: single nucleotide variant.
Coding change: c.194G>A on transcript NM_001368894.2 (MANE Select); coding-DNA position 194, G replaced by A.
Protein change: p.Gly65Glu; replaces glycine 65 with glutamic acid.
Molecular consequence: missense variant. On other transcripts: 5 prime UTR variant (14), non-coding transcript variant (2).
Genome position (GRCh38, 1-based): chr11:31,801,766, C>T on the plus strand (G>A on the coding strand, the complement: PAX6 is on the minus strand). VCF-style: chr11-31801766-C-T. GRCh37 (hg19) VCF-style: chr11-31823314-C-T.
Other names: c.152G>A, p.Gly51Glu (NM_000280.6, NM_001127612.3, NM_001258464.2 and 11 more transcripts); c.194G>A, p.Gly65Glu (NM_001258462.3, NM_001258463.2, NM_001310158.2 and 13 more transcripts); c.-588G>A (NM_001310160.2, NM_001368902.2, NM_001368905.2); c.-257G>A (NM_001310161.3, NM_001368899.2, NM_001368900.2 and 8 more transcripts); c.395G>A, p.Gly132Glu (NM_001368910.2); c.197G>A, p.Gly66Glu (NM_001368911.2); c.269G>A, p.Gly90Glu (NM_001368918.2, NM_001368919.2); c.227G>A, p.Gly76Glu (NM_001368920.2); short protein forms G76E, G51E, G65E, G66E, G132E, G90E.
Identifiers: ClinVar variation 2950549 (VCV002950549.3), dbSNP rs587778874, ClinGen allele CA379959103.
Genomic context (GRCh38, chr11:31,801,766, plus strand): 5'-ATTGCCCTGGGTCTGATGGAGCCAGTCTCGTAATACCTGCCCAGAATTTTACTCACACAT[C>T]CGTTGGACACCTGCATAGGGGAAGTGGACAGAAAACCACATTATTAATAATTTCAAGACA-3'
Protein context (NP_001355823.1, residues 55-75): QVLDNQNVSN[Gly65Glu]CVSKILGRYY

ClinVar aggregate classification (germline): Uncertain significance (1 of 4 stars; one submission).

Conditions:
Aniridia 1 (AN1). Identifiers: Orphanet 250923, MedGen C0344542, MONDO:0024507, OMIM 106210.
Irido-corneo-trabecular dysgenesis (ASGD5). Also called: ANTERIOR SEGMENT DYSGENESIS 5. Identifiers: Orphanet 708, MedGen C0344559, MONDO:0011414, OMIM 604229, HP:0000659.

Submission:

Labcorp Genetics (formerly Invitae), Labcorp
Classification: Uncertain significance for Aniridia 1; Irido-corneo-trabecular dysgenesis. Last evaluated: 2023-08-01. Review status: criteria provided, single submitter. Criteria: Invitae Variant Classification Sherloc (09022015). Collection method: clinical testing. Allele origin: germline.
Comment: In summary, the available evidence is currently insufficient to determine the role of this variant in disease. Therefore, it has been classified as a Variant of Uncertain Significance. This variant disrupts the p.Gly51 amino acid residue in PAX6. Other variant(s) that disrupt this residue have been observed in individuals with PAX6-related conditions (PMID: 24281366, 31700164; Invitae), which suggests that this may be a clinically significant amino acid residue. Advanced modeling of protein sequence and biophysical properties (such as structural, functional, and spatial information, amino acid conservation, physicochemical variation, residue mobility, and thermodynamic stability) performed at Invitae indicates that this missense variant is expected to disrupt PAX6 protein function. This missense change has been observed in individual(s) with clinical features of PAX6-related condition (Invitae). This variant is not present in population databases (gnomAD no frequency). This sequence change replaces glycine, which is neutral and non-polar, with glutamic acid, which is acidic and polar, at codon 51 of the PAX6 protein (p.Gly51Glu).

Literature cited by the submitters: PubMed 24281366; PubMed 31700164.